The following is an entry in ClinVar:

ClinVar aggregate classification (germline): Pathogenic (1 of 4 stars; one submission).

Submission:

Labcorp Genetics (formerly Invitae), Labcorp
Classification: Pathogenic. Last evaluated: 2020-12-01. Review status: criteria provided, single submitter. Criteria: Invitae Variant Classification Sherloc (09022015). Collection method: clinical testing. Allele origin: germline.
Comment: For these reasons, this variant has been classified as Pathogenic. This variant has not been reported in the literature in individuals with COL4A3-related conditions. This variant is a gross deletion of the genomic region encompassing exon(s) 26 of the COL4A3 gene. This deletion is out-of-frame, and is expected to create a premature translational stop signal and result in an absent or disrupted protein product. Loss-of-function variants in COL4A3 are known to be pathogenic (PMID: 8956999, 24854265, 26809805, 27281700).

Literature cited by the submitters: PubMed 8956999; PubMed 24854265; PubMed 26809805; PubMed 27281700.

NC_000002.11:g.(?_228137645)_(228137853_?)del

Gene: COL4A3 (collagen type IV alpha 3 chain; plus strand). Cytogenetic location: 2q36.3.
Variant type: Deletion.
Identifiers: ClinVar variation 1454508 (VCV001454508.6).